The following is an entry in ClinVar:

ClinVar aggregate classification (germline): Uncertain significance (1 of 4 stars; one submission).

gnomAD v4.1: 5 of 1,550,200 alleles (0.00032%); highest among the groups gnomAD compares: Admixed American, 0.002%; no homozygotes.

Submission:

Labcorp Genetics (formerly Invitae), Labcorp
Classification: Uncertain significance. Last evaluated: 2025-04-25. Review status: criteria provided, single submitter. Criteria: Invitae Variant Classification Sherloc (09022015). Collection method: clinical testing. Allele origin: germline.
Comment: This sequence change replaces serine, which is neutral and polar, with phenylalanine, which is neutral and non-polar, at codon 1857 of the ZNF469 protein (p.Ser1857Phe). This variant is not present in population databases (gnomAD no frequency). This variant has not been reported in the literature in individuals affected with ZNF469-related conditions. An algorithm developed to predict the effect of missense changes on protein structure and function (PolyPhen-2) suggests that this variant is likely to be tolerated. In summary, the available evidence is currently insufficient to determine the role of this variant in disease. Therefore, it has been classified as a Variant of Uncertain Significance.

NM_001367624.2(ZNF469):c.5654C>T (p.Ser1885Phe)

Gene: ZNF469 (zinc finger protein 469; plus strand). Cytogenetic location: 16q24.2.
Variant type: single nucleotide variant.
Coding change: c.5654C>T on transcript NM_001367624.2 (MANE Select); coding-DNA position 5654, C replaced by T.
Protein change: p.Ser1885Phe; replaces serine 1885 with phenylalanine.
Molecular consequence: missense variant.
Genome position (GRCh38, 1-based): chr16:88,433,124, C>T. VCF-style: chr16-88433124-C-T. GRCh37 (hg19) VCF-style: chr16-88499532-C-T.
Other names: short protein forms S1885F.
Identifiers: ClinVar variation 4693328 (VCV004693328.1).